The following is an entry in ClinVar:

NM_032119.4(ADGRV1):c.14120A>T (p.Asp4707Val)

Gene: ADGRV1 (adhesion G protein-coupled receptor V1; plus strand). Cytogenetic location: 5q14.3.
Variant type: single nucleotide variant.
Coding change: c.14120A>T on transcript NM_032119.4 (MANE Select); coding-DNA position 14120, A replaced by T.
Protein change: p.Asp4707Val; replaces aspartic acid 4707 with valine.
Molecular consequence: missense variant. On other transcripts: non-coding transcript variant (1).
Genome position (GRCh38, 1-based): chr5:90,790,949, A>T. VCF-style: chr5-90790949-A-T. GRCh37 (hg19) VCF-style: chr5-90086766-A-T.
Other names: short protein forms D4707V.
Identifiers: ClinVar variation 1944873 (VCV001944873.5), dbSNP rs1043088034, ClinGen allele CA360399865.

ClinVar aggregate classification (germline): Uncertain significance (1 of 4 stars; one submission).

Submission:

Labcorp Genetics (formerly Invitae), Labcorp
Classification: Uncertain significance. Last evaluated: 2022-08-06. Review status: criteria provided, single submitter. Criteria: Invitae Variant Classification Sherloc (09022015). Collection method: clinical testing. Allele origin: germline.
Comment: In summary, the available evidence is currently insufficient to determine the role of this variant in disease. Therefore, it has been classified as a Variant of Uncertain Significance. Algorithms developed to predict the effect of missense changes on protein structure and function are either unavailable or do not agree on the potential impact of this missense change (SIFT: "Deleterious"; PolyPhen-2: "Probably Damaging"; Align-GVGD: "Class C0"). This sequence change replaces aspartic acid, which is acidic and polar, with valine, which is neutral and non-polar, at codon 4707 of the ADGRV1 protein (p.Asp4707Val). This variant is not present in population databases (gnomAD no frequency). This variant has not been reported in the literature in individuals affected with ADGRV1-related conditions.